The following is an entry in ClinVar:

NM_001165963.4(SCN1A):c.4151G>A (p.Arg1384Lys)

Genes: SCN1A (sodium voltage-gated channel alpha subunit 1; minus strand), LOC102724058 (uncharacterized LOC102724058; plus strand). Cytogenetic location: 2q24.3.
Variant type: single nucleotide variant.
Coding change: c.4151G>A on transcript NM_001165963.4 (MANE Select); coding-DNA position 4151, G replaced by A.
Protein change: p.Arg1384Lys; replaces arginine 1384 with lysine.
Molecular consequence: missense variant. On other transcripts: non-coding transcript variant (1).
Genome position (GRCh38, 1-based): chr2:166,002,605, C>T on the plus strand (G>A on the coding strand, the complement: SCN1A is on the minus strand). VCF-style: chr2-166002605-C-T. GRCh37 (hg19) VCF-style: chr2-166859115-C-T.
Other names: c.4067G>A, p.Arg1356Lys (NM_001165964.3, NM_001353957.2, NM_001353958.2); c.4151G>A, p.Arg1384Lys (NM_001202435.3, NM_001353948.2); c.4118G>A, p.Arg1373Lys (NM_001353949.2, NM_001353950.2, NM_001353951.2 and 2 more transcripts); c.4115G>A, p.Arg1372Lys (NM_001353954.2, NM_001353955.2); c.4064G>A, p.Arg1355Lys (NM_001353960.2); c.1709G>A, p.Arg570Lys (NM_001353961.2); short protein forms R1355K, R1356K, R1372K, R1373K, R1384K, R570K.
Identifiers: ClinVar variation 2443611 (VCV002443611.4), dbSNP rs2468435794, ClinGen allele CA349050273.

ClinVar aggregate classification (germline): Uncertain significance. Review status: criteria provided, multiple submitters, no conflicts (2 of 4 stars). 2 submissions from 2 submitters: Uncertain significance (2). Last evaluated 2026-10-08.

Conditions:
Severe myoclonic epilepsy in infancy (DRVT). Also called: SEVERE MYOCLONIC EPILEPSY OF INFANCY; Dravet syndrome; Epileptic encephalopathy, early infantile, 6 (Dravet syndrome); DEVELOPMENTAL AND EPILEPTIC ENCEPHALOPATHY 6A; Severe Myoclonic Epilepsy in Infancy (SMEI). Identifiers: Orphanet 33069, MedGen C0751122, MONDO:0100135, OMIM 607208.
Developmental and epileptic encephalopathy 6B. Also called: Developmental and epileptic encephalopathy 6B, non-Dravet. Identifiers: MedGen C5543353, MONDO:0030268, OMIM 619317.

Allele frequency attached by ClinVar (database versions not stated): gnomAD exomes below 0.00001.
gnomAD v4.1: 1 of 1,611,940 alleles (0.000062%); highest among the groups gnomAD compares: Non-Finnish European, 0.000085%; no homozygotes.

Submissions (2):

GeneDx
Classification: Uncertain significance. Last evaluated: 2026-10-08. Review status: criteria provided, single submitter. Criteria: GeneDx Variant Classification Process June 2021. Collection method: clinical testing. Allele origin: germline.
Comment: Not observed at significant frequency in large population cohorts (gnomAD); In silico analysis suggests that this missense variant does not alter protein structure/function; This substitution is predicted to be within the extracellular loop between the S5 and S6 transmembrane segments of the third homologous domain; Has not been previously published as pathogenic or benign to our knowledge

Clinical Genomics Laboratory, Washington University in St. Louis
Classification: Uncertain significance for Developmental and epileptic encephalopathy 6B; Severe myoclonic epilepsy in infancy. Last evaluated: 2025-09-04. Review status: criteria provided, single submitter. Criteria: ACMG Guidelines, 2015. Collection method: clinical testing. Allele origin: germline.
Comment: The SCN1A c.4151G>A (p.Arg1384Lys) variant, to our knowledge, has not been reported in the medical literature but has been reported in the ClinVar database as a germline variant of uncertain significance by one submitter. This variant is absent from the general population (gnomAD v.2.1.1), indicating it is not a common variant. Computational predictors suggest that the variant does not impact SCN1A function. Due to limited information, and based on ACMG/AMP guidelines for variant interpretation (Richards S et al., PMID: 25741868), the clinical significance of this variant is uncertain at this time.